The following is an entry in ClinVar:

NM_004612.4(TGFBR1):c.1268A>G (p.Asp423Gly)

Gene: TGFBR1 (transforming growth factor beta receptor 1; plus strand). Cytogenetic location: 9q22.33.
Variant type: single nucleotide variant.
Coding change: c.1268A>G on transcript NM_004612.4 (MANE Select); coding-DNA position 1268, A replaced by G.
Protein change: p.Asp423Gly; replaces aspartic acid 423 with glycine.
Molecular consequence: missense variant.
Genome position (GRCh38, 1-based): chr9:99,147,666, A>G. VCF-style: chr9-99147666-A-G. GRCh37 (hg19) VCF-style: chr9-101909948-A-G.
Other names: c.1037A>G, p.Asp346Gly (NM_001130916.3); c.1280A>G, p.Asp427Gly (NM_001306210.2); short protein forms D346G, D427G, D423G.
Identifiers: ClinVar variation 1435801 (VCV001435801.6), dbSNP rs2118839113, ClinGen allele CA374233258.

ClinVar aggregate classification (germline): Uncertain significance (1 of 4 stars; one submission).

Conditions:
Familial thoracic aortic aneurysm and aortic dissection (TAAD). Also called: Thoracic aortic aneurysms and dissections. Identifiers: Orphanet 91387, MedGen C4707243, MONDO:0019625.

Allele frequency attached by ClinVar (database versions not stated): gnomAD exomes below 0.00001.
gnomAD v4.1: 1 of 1,613,430 alleles (0.000062%); highest among the groups gnomAD compares: Non-Finnish European, 0.000085%; no homozygotes.

Submission:

Labcorp Genetics (formerly Invitae), Labcorp
Classification: Uncertain significance for Familial thoracic aortic aneurysm and aortic dissection. Last evaluated: 2021-11-20. Review status: criteria provided, single submitter. Criteria: Invitae Variant Classification Sherloc (09022015). Collection method: clinical testing. Allele origin: germline.
Comment: In summary, the available evidence is currently insufficient to determine the role of this variant in disease. Therefore, it has been classified as a Variant of Uncertain Significance. Algorithms developed to predict the effect of missense changes on protein structure and function are either unavailable or do not agree on the potential impact of this missense change (SIFT: "Tolerated"; PolyPhen-2: "Probably Damaging"; Align-GVGD: "Class C0"). This variant has not been reported in the literature in individuals affected with TGFBR1-related conditions. This variant is not present in population databases (gnomAD no frequency). This sequence change replaces aspartic acid, which is acidic and polar, with glycine, which is neutral and non-polar, at codon 423 of the TGFBR1 protein (p.Asp423Gly).